The following is an entry in ClinVar:

ClinVar aggregate classification (germline): Uncertain significance (1 of 4 stars; one submission).

Submission:

Labcorp Genetics (formerly Invitae), Labcorp
Classification: Uncertain significance. Last evaluated: 2021-05-06. Review status: criteria provided, single submitter. Criteria: Invitae Variant Classification Sherloc (09022015). Collection method: clinical testing. Allele origin: germline.
Comment: This variant has not been reported in the literature in individuals with SLC12A2-related conditions. This sequence change replaces lysine with isoleucine at codon 992 of the SLC12A2 protein (p.Lys992Ile). The lysine residue is moderately conserved and there is a moderate physicochemical difference between lysine and isoleucine. This variant is not present in population databases (ExAC no frequency). In summary, the available evidence is currently insufficient to determine the role of this variant in disease. Therefore, it has been classified as a Variant of Uncertain Significance. Algorithms developed to predict the effect of missense changes on protein structure and function are either unavailable or do not agree on the potential impact of this missense change (SIFT: "Tolerated"; PolyPhen-2: "Possibly Damaging"; Align-GVGD: "Class C0").

NM_001046.3(SLC12A2):c.2975A>T (p.Lys992Ile)

Gene: SLC12A2 (solute carrier family 12 member 2; plus strand). Cytogenetic location: 5q23.3.
Variant type: single nucleotide variant.
Coding change: c.2975A>T on transcript NM_001046.3 (MANE Select); coding-DNA position 2975, A replaced by T.
Protein change: p.Lys992Ile; replaces lysine 992 with isoleucine.
Molecular consequence: missense variant. On other transcripts: non-coding transcript variant (1), intron variant (1).
Genome position (GRCh38, 1-based): chr5:128,177,150, A>T. VCF-style: chr5-128177150-A-T. GRCh37 (hg19) VCF-style: chr5-127512842-A-T.
Other names: c.2930-1417A>T (NM_001256461.2); short protein forms K992I.
Identifiers: ClinVar variation 1426231 (VCV001426231.8), dbSNP rs2126753256, ClinGen allele CA360738025.